The following is an entry in ClinVar:

NM_001101421.4(MYO1H):c.599G>T (p.Ser200Ile)

Gene: MYO1H (myosin IH; plus strand). Cytogenetic location: 12q24.11.
Variant type: single nucleotide variant.
Coding change: c.599G>T on transcript NM_001101421.4 (MANE Select); coding-DNA position 599, G replaced by T.
Protein change: p.Ser200Ile; replaces serine 200 with isoleucine.
Molecular consequence: missense variant.
Genome position (GRCh38, 1-based): chr12:109,401,121, G>T. VCF-style: chr12-109401121-G-T. GRCh37 (hg19) VCF-style: chr12-109838926-G-T.
Other names: short protein forms S184I, S200I.
Identifiers: ClinVar variation 717107 (VCV000717107.30), dbSNP rs200532551, ClinGen allele CA6776065.

ClinVar aggregate classification (germline): Benign/Likely benign. Review status: criteria provided, multiple submitters, no conflicts (2 of 4 stars). 3 submissions from 3 submitters: Benign (2); Likely benign (1). Last evaluated 2022-12-01.

Allele frequency attached by ClinVar (database versions not stated): 1000 Genomes Project 30x 0.00016; 1000 Genomes Project 0.00020; gnomAD 0.00208 and 0.00218; TOPMed 0.00212; ExAC 0.00213; gnomAD exomes 0.00216; ESP Exome Variant Server 0.00260.
gnomAD v4.1: 5,713 of 1,613,944 alleles (0.35%); highest among the groups gnomAD compares: Non-Finnish European, 0.43%; 18 homozygotes.

Submissions (3):

CeGaT Center for Human Genetics Tuebingen
Classification: Likely benign. Last evaluated: 2022-12-01. Review status: criteria provided, single submitter. Criteria: CeGaT Center For Human Genetics Tuebingen Variant Classification Criteria Version 2. Collection method: clinical testing. Allele origin: germline. Affected: yes. Observed: 1 variant allele.
Comment: MYO1H: BS2

Labcorp Genetics (formerly Invitae), Labcorp
Classification: Benign. Last evaluated: 2019-12-31. Review status: criteria provided, single submitter. Criteria: Invitae Variant Classification Sherloc (09022015). Collection method: clinical testing. Allele origin: germline.

Breakthrough Genomics
Classification: Benign. Review status: criteria provided, single submitter. Criteria: ACMG Guidelines, 2015. Collection method: not provided. Allele origin: germline. Inheritance: Autosomal recessive inheritance. Affected: yes.